The following is an entry in ClinVar:

NM_001374353.1(GLI2):c.83C>T (p.Pro28Leu)

Gene: GLI2 (GLI family zinc finger 2; plus strand). Cytogenetic location: 2q14.2.
Variant type: single nucleotide variant.
Coding change: c.83C>T on transcript NM_001374353.1 (MANE Select); coding-DNA position 83, C replaced by T.
Protein change: p.Pro28Leu; replaces proline 28 with leucine.
Molecular consequence: missense variant. On other transcripts: 5 prime UTR variant (1).
Genome position (GRCh38, 1-based): chr2:120,797,403, C>T. VCF-style: chr2-120797403-C-T. GRCh37 (hg19) VCF-style: chr2-121554979-C-T.
Other names: c.83C>T, p.Pro28Leu (NM_001371271.1, NM_005270.5); c.-187C>T (NM_001374354.1); short protein forms P28L.
Identifiers: ClinVar variation 3898320 (VCV003898320.7).

ClinVar aggregate classification (germline): Likely benign (1 of 4 stars; one submission).

gnomAD v4.1: 34 of 1,613,884 alleles (0.0021%); highest among the groups gnomAD compares: Middle Eastern, 0.016%; no homozygotes.

Submission:

CeGaT Center for Human Genetics Tuebingen
Classification: Likely benign. Last evaluated: 2025-04-01. Review status: criteria provided, single submitter. Criteria: CeGaT Center For Human Genetics Tuebingen Variant Classification Criteria Version 2. Collection method: clinical testing. Allele origin: germline. Affected: yes. Observed: 1 variant allele.
Comment: GLI2: BP4